The following is an entry in ClinVar:

NM_000271.5(NPC1):c.3152_3153del (p.Phe1051fs)

Gene: NPC1 (NPC intracellular cholesterol transporter 1; minus strand). Cytogenetic location: 18q11.2.
Variant type: Deletion.
Coding change: c.3152_3153del on transcript NM_000271.5 (MANE Select); coding-DNA positions 3152 to 3153, 2 bases deleted (TT; older notation c.3152_3153delTT).
Protein change: p.Phe1051fs; shifts the reading frame from phenylalanine 1051.
Molecular consequence: frameshift variant.
Genome position (GRCh38, 1-based): chr18:23,536,765-23,536,766, AA deleted on the plus strand (TT on the coding strand, the reverse complement: NPC1 is on the minus strand); deleting any 2 consecutive bases within chr18:23,536,765-23,536,767 gives the same sequence; the c. name uses the placement nearest the transcript's 3' end. VCF-style (leftmost placement, unchanged base first): chr18-23536764-TAA-T. GRCh37 (hg19) VCF-style: chr18-21116728-TAA-T.
Other names: short protein forms F1051fs.
Identifiers: ClinVar variation 1068529 (VCV001068529.9), dbSNP rs2145357371, ClinGen allele CA2499225059.
Genomic context (GRCh38, chr18:23,536,764, plus strand): 5'-TAATGCCCATGGTTTCGGTGACATTACTGGCTATAAGTCGGGCTTTCTTCAGAGCGTCAA[TAA>T]AGTCAGCAGAGGTCTGCAGCACGGTGTGGTAGGTCATGAAGTACGTGGCTCCGACCCTGG-3'

ClinVar aggregate classification (germline): Pathogenic (1 of 4 stars; one submission).

Conditions:
Niemann-Pick disease, type C1. Also called: NEUROVISCERAL STORAGE DISEASE WITH VERTICAL SUPRANUCLEAR OPHTHALMOPLEGIA; NIEMANN-PICK DISEASE WITH CHOLESTEROL ESTERIFICATION BLOCK; NIEMANN-PICK DISEASE WITHOUT SPHINGOMYELINASE DEFICIENCY; NIEMANN-PICK DISEASE, CHRONIC NEURONOPATHIC FORM; NIEMANN-PICK DISEASE, VARIANT TYPE C1. Identifiers: Orphanet 646, MedGen C3179455, MONDO:0009757, OMIM 257220.

Submission:

Labcorp Genetics (formerly Invitae), Labcorp
Classification: Pathogenic for Niemann-Pick disease, type C1. Last evaluated: 2021-06-24. Review status: criteria provided, single submitter. Criteria: Invitae Variant Classification Sherloc (09022015). Collection method: clinical testing. Allele origin: germline.
Comment: For these reasons, this variant has been classified as Pathogenic. Loss-of-function variants in NPC1 are known to be pathogenic (PMID: 9211850). This variant has been observed in individual(s) with Niemann-Pick disease type C (Invitae). This variant is not present in population databases (ExAC no frequency). This sequence change creates a premature translational stop signal (p.Phe1051Tyrfs*2) in the NPC1 gene. It is expected to result in an absent or disrupted protein product.

Literature cited by the submitters: PubMed 9211850.